The following is an entry in ClinVar:

NM_017514.5(PLXNA3):c.252C>T (p.Arg84=)

Gene: PLXNA3 (plexin A3; plus strand). Cytogenetic location: Xq28.
Variant type: single nucleotide variant.
Coding change: c.252C>T on transcript NM_017514.5 (MANE Select); coding-DNA position 252, C replaced by T.
Protein change: p.Arg84=; no amino-acid change (arginine 84 retained).
Molecular consequence: synonymous variant.
Genome position (GRCh38, 1-based): chrX:154,460,435, C>T. VCF-style: chrX-154460435-C-T. GRCh37 (hg19) VCF-style: chrX-153688775-C-T.
Identifiers: ClinVar variation 2661822 (VCV002661822.25), dbSNP rs146167713, ClinGen allele CA10563639.

ClinVar aggregate classification (germline): Likely benign. Review status: criteria provided, single submitter (1 of 4 stars). 2 submissions from 2 submitters: Likely benign (1). 1 of the submissions does not count toward it. Last evaluated 2023-01-01.

Conditions:
PLXNA3-related disorder. Also called: PLXNA3-related condition.

Allele frequency attached by ClinVar (database versions not stated): ESP Exome Variant Server 0.00028; 1000 Genomes Project 30x 0.00042; 1000 Genomes Project 0.00053.
gnomAD v4.1: 365 of 1,201,580 alleles (0.03%); highest among the groups gnomAD compares: East Asian, 0.13%; no homozygotes.

Submissions (2):

CeGaT Center for Human Genetics Tuebingen
Classification: Likely benign. Last evaluated: 2023-01-01. Review status: criteria provided, single submitter. Criteria: CeGaT Center For Human Genetics Tuebingen Variant Classification Criteria Version 2. Collection method: clinical testing. Allele origin: germline. Affected: yes. Observed: 1 variant allele.
Comment: PLXNA3: BP4, BP7, BS2

PreventionGenetics, part of Exact Sciences
Classification: Likely benign for PLXNA3-related condition. Last evaluated: 2024-01-10. Review status: no assertion criteria provided. Collection method: clinical testing. Allele origin: germline. Not counted in ClinVar's aggregate classification.
Comment: This variant is classified as likely benign based on ACMG/AMP sequence variant interpretation guidelines (Richards et al. 2015 PMID: 25741868, with internal and published modifications).